The following is an entry in ClinVar:

ClinVar aggregate classification (germline): Uncertain significance (1 of 4 stars; one submission).

Submission:

Ambry Genetics
Classification: Uncertain significance. Last evaluated: 2021-07-16. Review status: criteria provided, single submitter. Criteria: Ambry Variant Classification Scheme 2023. Collection method: clinical testing. Allele origin: germline.
Comment: The p.I951V variant (also known as c.2851A>G), located in coding exon 23 of the BUB1 gene, results from an A to G substitution at nucleotide position 2851. The isoleucine at codon 951 is replaced by valine, an amino acid with highly similar properties. This amino acid position is conserved. In addition, this alteration is predicted to be tolerated by in silico analysis. Since supporting evidence is limited at this time, the clinical significance of this alteration remains unclear.

NM_004336.5(BUB1):c.2851A>G (p.Ile951Val)

Gene: BUB1 (BUB1 mitotic checkpoint serine/threonine kinase; minus strand). Cytogenetic location: 2q13.
Variant type: single nucleotide variant.
Coding change: c.2851A>G on transcript NM_004336.5 (MANE Select); coding-DNA position 2851, A replaced by G.
Protein change: p.Ile951Val; replaces isoleucine 951 with valine.
Molecular consequence: missense variant.
Genome position (GRCh38, 1-based): chr2:110,641,138, T>C on the plus strand (A>G on the coding strand, the complement: BUB1 is on the minus strand). VCF-style: chr2-110641138-T-C. GRCh37 (hg19) VCF-style: chr2-111398715-T-C.
Other names: c.2791A>G, p.Ile931Val (NM_001278616.2); c.2680A>G, p.Ile894Val (NM_001278617.2); short protein forms I931V, I894V, I951V.
Identifiers: ClinVar variation 1796842 (VCV001796842.2), dbSNP rs2467970366, ClinGen allele CA348089157.